The following is an entry in ClinVar:

NM_001110556.2(FLNA):c.1191C>T (p.Ile397=)

Gene: FLNA (filamin A; minus strand). Cytogenetic location: Xq28.
Variant type: single nucleotide variant.
Coding change: c.1191C>T on transcript NM_001110556.2 (MANE Select); coding-DNA position 1191, C replaced by T.
Protein change: p.Ile397=; no amino-acid change (isoleucine 397 retained).
Molecular consequence: synonymous variant.
Genome position (GRCh38, 1-based): chrX:154,366,345, G>A on the plus strand (C>T on the coding strand, the complement: FLNA is on the minus strand). VCF-style: chrX-154366345-G-A. GRCh37 (hg19) VCF-style: chrX-153594713-G-A.
Other names: p.I397I:ATC>ATT; p.Ile397=; c.1191C>T, p.Ile397= (NM_001456.4).
Identifiers: ClinVar variation 213460 (VCV000213460.66), dbSNP rs200048692, ClinGen allele CA324608.

ClinVar aggregate classification (germline): Conflicting classifications of pathogenicity. Review status: criteria provided, conflicting classifications (1 of 4 stars). 13 submissions from 13 submitters: Uncertain significance (1); Benign (4); Likely benign (5). 3 of the submissions do not count toward it. Last evaluated 2026-02-01.

Conditions:
Melnick-Needles syndrome (MNS). Also called: MELNICK-NEEDLES OSTEODYSPLASTY; Melnick-Needles Syndrome (FLNA-MNS); OSTEODYSPLASTY OF MELNICK AND NEEDLES. Identifiers: Orphanet 2484, MedGen C0025237, MONDO:0010650, OMIM 309350.
Heterotopia, periventricular, X-linked dominant (PVNH1). Also called: PERIVENTRICULAR NODULAR HETEROTOPIA 4; HETEROTOPIA, PERIVENTRICULAR, 1; X-linked periventricular heterotopia; PERIVENTRICULAR NODULAR HETEROTOPIA 1. Identifiers: Orphanet 2149, Orphanet 82004, MedGen C1848213, MONDO:0010233, OMIM 300049.
Oto-palato-digital syndrome, type II (OPD2). Also called: FACIOPALATOOSSEOUS SYNDROME; Otopalatodigital Syndrome, Type II; Otopalatodigital Syndrome Type 2 (FLNA-OPD2); OPD II SYNDROME. Identifiers: Orphanet 669, Orphanet 90652, MedGen C1844696, MONDO:0010571, OMIM 304120.
Frontometaphyseal dysplasia (FMD1). Identifiers: Orphanet 1826, MedGen C0265293, MONDO:0015942.
Connective tissue disorder. Also called: Connective tissue disease. Identifiers: MedGen C0009782, MONDO:0003900.
Familial thoracic aortic aneurysm and aortic dissection (TAAD). Also called: Thoracic aortic aneurysms and dissections. Identifiers: Orphanet 91387, MedGen C4707243, MONDO:0019625.

Allele frequency attached by ClinVar (database versions not stated): ExAC 0.00020; 1000 Genomes Project 30x 0.00021; 1000 Genomes Project 0.00026; gnomAD exomes 0.00028 and 0.00065; ESP Exome Variant Server 0.00058; gnomAD 0.00070 and 0.00071; TOPMed 0.00122.
gnomAD v4.1: 808 of 1,211,148 alleles (0.067%); highest among the groups gnomAD compares: Admixed American, 0.1%; 1 homozygote.

Submissions (13):

Labcorp Genetics (formerly Invitae), Labcorp
Classification: Benign for Oto-palato-digital syndrome, type II; Heterotopia, periventricular, X-linked dominant; Frontometaphyseal dysplasia; Melnick-Needles syndrome. Last evaluated: 2026-02-01. Review status: criteria provided, single submitter. Criteria: Invitae Variant Classification Sherloc (09022015). Collection method: clinical testing. Allele origin: germline.

Mayo Clinic Laboratories, Mayo Clinic
Classification: Likely benign. Last evaluated: 2025-05-28. Review status: criteria provided, single submitter. Criteria: ACMG Guidelines, 2015. Collection method: clinical testing. Allele origin: germline. Observed: 10 variant alleles.
Comment: BP4, BP7

Blueprint Genetics
Classification: Likely benign. Last evaluated: 2024-09-18. Review status: criteria provided, single submitter. Criteria: ACMG Guidelines, 2015. Collection method: clinical testing. Allele origin: germline.

Women's Health and Genetics/Laboratory Corporation of America, LabCorp
Classification: Benign. Last evaluated: 2023-08-10. Review status: criteria provided, single submitter. Criteria: LabCorp Variant Classification Summary - May 2015. Collection method: clinical testing. Allele origin: germline.

ARUP Laboratories, Molecular Genetics and Genomics, ARUP Laboratories
Classification: Benign. Last evaluated: 2023-03-15. Review status: criteria provided, single submitter. Criteria: ARUP Molecular Germline Variant Investigation Process 2024. Collection method: clinical testing. Allele origin: germline.

CeGaT Center for Human Genetics Tuebingen
Classification: Likely benign. Last evaluated: 2022-11-01. Review status: criteria provided, single submitter. Criteria: CeGaT Center For Human Genetics Tuebingen Variant Classification Criteria Version 2. Collection method: clinical testing. Allele origin: germline. Affected: yes. Observed: 3 variant alleles.
Comment: FLNA: BP4, BP7, BS2

Center for Human Genetics, Inc
Classification: Likely benign for Connective tissue disorder. Last evaluated: 2016-11-01. Review status: criteria provided, single submitter. Criteria: ACMG Guidelines, 2015. Collection method: clinical testing. Allele origin: germline. Affected: yes.

Ambry Genetics
Classification: Likely benign for Familial thoracic aortic aneurysm and aortic dissection. Last evaluated: 2016-07-12. Review status: criteria provided, single submitter. Criteria: Ambry Variant Classification Scheme 2023. Collection method: clinical testing. Allele origin: germline.

Eurofins Ntd Llc (ga)
Classification: Uncertain significance. Last evaluated: 2015-09-08. Review status: criteria provided, single submitter. Criteria: EGL Classification Definitions 2015. Collection method: clinical testing. Allele origin: germline. Observed: 1 variant allele, 1 hemizygote.

GeneDx
Classification: Benign. Last evaluated: 2014-06-19. Review status: criteria provided, single submitter. Criteria: GeneDx Variant Classification (06012015). Collection method: clinical testing. Allele origin: germline. Affected: yes.
Comment: This variant is considered likely benign or benign based on one or more of the following criteria: it is a conservative change, it occurs at a poorly conserved position in the protein, it is predicted to be benign by multiple in silico algorithms, and/or has population frequency not consistent with disease.

Clinical Genetics DNA and cytogenetics Diagnostics Lab, Erasmus MC, Erasmus Medical Center
Classification: Likely benign. Review status: no assertion criteria provided. Collection method: clinical testing. Allele origin: germline. Affected: yes. Study: VKGL Data-share Consensus. Not counted in ClinVar's aggregate classification.

Genome Diagnostics Laboratory, University Medical Center Utrecht
Classification: Likely benign. Review status: no assertion criteria provided. Collection method: clinical testing. Allele origin: germline. Affected: yes. Study: VKGL Data-share Consensus. Not counted in ClinVar's aggregate classification.

Joint Genome Diagnostic Labs from Nijmegen and Maastricht, Radboudumc and MUMC+
Classification: Likely benign. Review status: no assertion criteria provided. Collection method: clinical testing. Allele origin: germline. Affected: yes. Study: VKGL Data-share Consensus. Not counted in ClinVar's aggregate classification.